The following is an entry in ClinVar:

NM_020822.3(KCNT1):c.600+3G>A

Gene: KCNT1 (potassium sodium-activated channel subfamily T member 1; plus strand). Cytogenetic location: 9q34.3.
Variant type: single nucleotide variant.
Coding change: c.600+3G>A on transcript NM_020822.3 (MANE Select); 3 bases into the intron after coding-DNA position 600, G replaced by A.
Molecular consequence: intron variant.
Genome position (GRCh38, 1-based): chr9:135,756,935, G>A. VCF-style: chr9-135756935-G-A. GRCh37 (hg19) VCF-style: chr9-138648781-G-A.
Other names: c.456+3G>A (NM_001272003.2).
Identifiers: ClinVar variation 2944178 (VCV002944178.3), dbSNP rs2490828953, ClinGen allele CA2740090825.

ClinVar aggregate classification (germline): Uncertain significance (1 of 4 stars; one submission).

Conditions:
Autosomal dominant nocturnal frontal lobe epilepsy 5. Also called: Epilepsy, nocturnal frontal lobe, 5; CILIARY DYSKINESIA, PRIMARY, 28, WITHOUT SITUS INVERSUS; CILIARY DYSKINESIA, PRIMARY, 28, WITH SITUS INVERSUS; KCNT1-Related Epilepsy. Identifiers: Orphanet 98784, MedGen C3554306, MONDO:0014002, OMIM 615005.
Developmental and epileptic encephalopathy, 14 (DEE14). Also called: Early infantile epileptic encephalopathy 14. Identifiers: Orphanet 293181, MedGen C3554195, MONDO:0013989, OMIM 614959.

Submission:

Labcorp Genetics (formerly Invitae), Labcorp
Classification: Uncertain significance for Autosomal dominant nocturnal frontal lobe epilepsy 5; Developmental and epileptic encephalopathy, 14. Last evaluated: 2023-05-04. Review status: criteria provided, single submitter. Criteria: Invitae Variant Classification Sherloc (09022015). Collection method: clinical testing. Allele origin: germline.
Comment: Variants that disrupt the consensus splice site are a relatively common cause of aberrant splicing (PMID: 17576681, 9536098). Algorithms developed to predict the effect of sequence changes on RNA splicing suggest that this variant is not likely to affect RNA splicing. This variant has not been reported in the literature in individuals affected with KCNT1-related conditions. This variant is not present in population databases (gnomAD no frequency). This sequence change falls in intron 7 of the KCNT1 gene. It does not directly change the encoded amino acid sequence of the KCNT1 protein. It affects a nucleotide within the consensus splice site. In summary, the available evidence is currently insufficient to determine the role of this variant in disease. Therefore, it has been classified as a Variant of Uncertain Significance.

Literature cited by the submitters: PubMed 17576681; PubMed 9536098.